The following is an entry in ClinVar:

ClinVar aggregate classification (germline): Likely benign. Review status: criteria provided, multiple submitters, no conflicts (2 of 4 stars). 2 submissions from 2 submitters: Likely benign (2). Last evaluated 2025-09-01.

Allele frequency attached by ClinVar (database versions not stated): gnomAD exomes 0.00001 and 0.00002; TOPMed 0.00003; ExAC 0.00004; gnomAD 0.00004; ESP Exome Variant Server 0.00008.
gnomAD v4.1: 17 of 1,613,936 alleles (0.0011%); highest among the groups gnomAD compares: Non-Finnish European, 0.0014%; no homozygotes.

Submissions (2):

CeGaT Center for Human Genetics Tuebingen
Classification: Likely benign. Last evaluated: 2025-09-01. Review status: criteria provided, single submitter. Criteria: CeGaT Center For Human Genetics Tuebingen Variant Classification Criteria Version 2. Collection method: clinical testing. Allele origin: germline. Affected: yes. Observed: 2 variant alleles.
Comment: FN1: BP4, BP7

Labcorp Genetics (formerly Invitae), Labcorp
Classification: Likely benign. Last evaluated: 2022-08-09. Review status: criteria provided, single submitter. Criteria: Invitae Variant Classification Sherloc (09022015). Collection method: clinical testing. Allele origin: germline.

NM_212482.4(FN1):c.456C>T (p.Asp152=)

Gene: FN1 (fibronectin 1; minus strand). Cytogenetic location: 2q35.
Variant type: single nucleotide variant.
Coding change: c.456C>T on transcript NM_212482.4 (MANE Select); coding-DNA position 456, C replaced by T.
Protein change: p.Asp152=; no amino-acid change (aspartic acid 152 retained).
Molecular consequence: synonymous variant.
Genome position (GRCh38, 1-based): chr2:215,431,924, G>A on the plus strand (C>T on the coding strand, the complement: FN1 is on the minus strand). VCF-style: chr2-215431924-G-A. GRCh37 (hg19) VCF-style: chr2-216296647-G-A.
Other names: c.456C>T, p.Asp152= (NM_212474.3, NM_212476.3, NM_212478.3 and 14 more transcripts).
Identifiers: ClinVar variation 1099220 (VCV001099220.31), dbSNP rs370855081, ClinGen allele CA2095553.